The following is an entry in ClinVar:

ClinVar aggregate classification (germline): Uncertain significance (1 of 4 stars; one submission).

Conditions:
Hereditary cancer-predisposing syndrome. Also called: Neoplastic Syndromes, Hereditary; Tumor predisposition; Hereditary neoplastic syndrome; Hereditary Cancer Syndrome. Identifiers: Orphanet 140162, MedGen C0027672, MeSH D009386, MONDO:0015356.

Submission:

Ambry Genetics
Classification: Uncertain significance for Hereditary cancer-predisposing syndrome. Last evaluated: 2024-01-08. Review status: criteria provided, single submitter. Criteria: Ambry Variant Classification Scheme 2023. Collection method: clinical testing. Allele origin: germline.
Comment: The p.S412I variant (also known as c.1235G>T), located in coding exon 10 of the CHEK2 gene, results from a G to T substitution at nucleotide position 1235. The serine at codon 412 is replaced by isoleucine, an amino acid with dissimilar properties. This amino acid position is conserved. In addition, this alteration is predicted to be deleterious by in silico analysis. Since supporting evidence is limited at this time, the clinical significance of this alteration remains unclear.

NM_007194.4(CHEK2):c.1235G>T (p.Ser412Ile)

Gene: CHEK2 (checkpoint kinase 2; minus strand). Cytogenetic location: 22q12.1.
Variant type: single nucleotide variant.
Coding change: c.1235G>T on transcript NM_007194.4 (MANE Select); coding-DNA position 1235, G replaced by T.
Protein change: p.Ser412Ile; replaces serine 412 with isoleucine.
Molecular consequence: missense variant.
Genome position (GRCh38, 1-based): chr22:28,695,734, C>A on the plus strand (G>T on the coding strand, the complement: CHEK2 is on the minus strand). VCF-style: chr22-28695734-C-A. GRCh37 (hg19) VCF-style: chr22-29091722-C-A.
Other names: c.1364G>T, p.Ser455Ile (NM_001005735.3); c.572G>T, p.Ser191Ile (NM_001257387.3); c.1034G>T, p.Ser345Ile (NM_001349956.3); c.1148G>T, p.Ser383Ile (NM_145862.3); short protein forms S191I, S345I, S383I, S412I, S455I.
Identifiers: ClinVar variation 3226020 (VCV003226020.1), dbSNP rs1555913662, ClinGen allele CA411096625.